The following is an entry in ClinVar:

NM_001330260.2(SCN8A):c.550A>G (p.Ile184Val)

Gene: SCN8A (sodium voltage-gated channel alpha subunit 8; plus strand). Cytogenetic location: 12q13.13.
Variant type: single nucleotide variant.
Coding change: c.550A>G on transcript NM_001330260.2 (MANE Select); coding-DNA position 550, A replaced by G.
Protein change: p.Ile184Val; replaces isoleucine 184 with valine.
Molecular consequence: missense variant.
Genome position (GRCh38, 1-based): chr12:51,687,155, A>G. VCF-style: chr12-51687155-A-G. GRCh37 (hg19) VCF-style: chr12-52080939-A-G.
Other names: c.550A>G, p.Ile184Val (NM_001177984.3, NM_001369788.1, NM_014191.4); short protein forms I184V.
Identifiers: ClinVar variation 419047 (VCV000419047.7), dbSNP rs1029149299, ClinGen allele CA16619554.

ClinVar aggregate classification (germline): Uncertain significance. Review status: criteria provided, multiple submitters, no conflicts (2 of 4 stars). 4 submissions from 4 submitters: Uncertain significance (4). Last evaluated 2025-08-14.

Conditions:
Early-infantile DEE. Also called: Early infantile epileptic encephalopathy with suppression bursts; Early infantile epileptic encephalopathy; Ohtahara syndrome. Identifiers: Orphanet 1934, MedGen C0393706, MONDO:0800491.
SCN8A-related disorder.

Allele frequency attached by ClinVar (database versions not stated): gnomAD 0.00001; gnomAD exomes 0.00001; TOPMed 0.00001.
gnomAD v4.1: 13 of 1,613,498 alleles (0.00081%); highest among the groups gnomAD compares: Non-Finnish European, 0.0011%; no homozygotes.

Submissions (4):

Labcorp Genetics (formerly Invitae), Labcorp
Classification: Uncertain significance for Early-infantile DEE. Last evaluated: 2025-08-14. Review status: criteria provided, single submitter. Criteria: Invitae Variant Classification Sherloc (09022015). Collection method: clinical testing. Allele origin: germline.
Comment: This sequence change replaces isoleucine, which is neutral and non-polar, with valine, which is neutral and non-polar, at codon 184 of the SCN8A protein (p.Ile184Val). This variant is not present in population databases (gnomAD no frequency). This variant has not been reported in the literature in individuals affected with SCN8A-related conditions. ClinVar contains an entry for this variant (Variation ID: 419047). Invitae Evidence Modeling of protein sequence and biophysical properties (such as structural, functional, and spatial information, amino acid conservation, physicochemical variation, residue mobility, and thermodynamic stability) indicates that this missense variant is not expected to disrupt SCN8A protein function with a negative predictive value of 95%. In summary, the available evidence is currently insufficient to determine the role of this variant in disease. Therefore, it has been classified as a Variant of Uncertain Significance.

PreventionGenetics, part of Exact Sciences
Classification: Uncertain significance for SCN8A-related condition. Last evaluated: 2025-03-13. Review status: criteria provided, single submitter. Criteria: ACMG Guidelines, 2015. Collection method: clinical testing. Allele origin: germline.
Comment: The SCN8A c.550A>G variant is predicted to result in the amino acid substitution p.Ile184Val. To our knowledge, this variant has not been reported in the literature or in a large population database (gnomAD), indicating this variant is rare. At this time, the clinical significance of this variant is uncertain due to the absence of conclusive functional and genetic evidence.

Blueprint Genetics
Classification: Uncertain significance. Last evaluated: 2024-03-04. Review status: criteria provided, single submitter. Criteria: ACMG Guidelines, 2015. Collection method: clinical testing. Allele origin: germline.

GeneDx
Classification: Uncertain significance. Last evaluated: 2017-10-10. Review status: criteria provided, single submitter. Criteria: GeneDx Variant Classification (06012015). Collection method: clinical testing. Allele origin: germline. Affected: yes.
Comment: The I184V variant has not been published as a pathogenic variant, nor has it been reported as a benign variant to our knowledge. It was not observed in approximately 6,000 individuals of European and African American ancestry in the NHLBI Exome Sequencing Project, indicating it is not a common benign variant in these populations. This substitution occurs at a conserved position predicted to be within the cytoplasmic loop between the S2 and S3 transmembrane segments of the first homologous domain. However, the I184V variant is a conservative amino acid substitution, which is not likely to impact secondary protein structure as these residues share similar properties, and in silico analysis is inconsistent in its predictions as to whether or not the variant is damaging to the protein structure/function. Therefore, based on the currently available information, it is unclear whether this variant is a pathogenic variant or a rare benign variant.